The following is an entry in ClinVar:

NM_000632.4(ITGAM):c.206G>T (p.Ser69Ile)

Genes: ITGAM (integrin subunit alpha M; plus strand), LOC126862331 (P300/CBP strongly-dependent group 1 enhancer GRCh37_chr16:31276375-31277574; plus strand). Cytogenetic location: 16p11.2.
Variant type: single nucleotide variant.
Coding change: c.206G>T on transcript NM_000632.4 (MANE Select); coding-DNA position 206, G replaced by T.
Protein change: p.Ser69Ile; replaces serine 69 with isoleucine.
Molecular consequence: missense variant.
Genome position (GRCh38, 1-based): chr16:31,265,466, G>T. VCF-style: chr16-31265466-G-T. GRCh37 (hg19) VCF-style: chr16-31276787-G-T.
Other names: c.206G>T, p.Ser69Ile (NM_001145808.2); short protein forms S69I.
Identifiers: ClinVar variation 3713426 (VCV003713426.2).
Genomic context (GRCh38, chr16:31,265,466, plus strand): 5'-GAGCCCCCCAGGAGATAGTGGCTGCCAACCAAAGGGGCAGCCTCTACCAGTGCGACTACA[G>T]CACAGGCTCATGCGAGCCCATCCGCCTGCAGGGTGAGTCACTGCCCCGCCGGGCTGGGAC-3'
Protein context (NP_000623.2, residues 59-79): QRGSLYQCDY[Ser69Ile]TGSCEPIRLQ

ClinVar aggregate classification (germline): Uncertain significance (1 of 4 stars; one submission).

gnomAD v4.1: 8 of 1,605,912 alleles (0.0005%); highest among the groups gnomAD compares: Non-Finnish European, 0.00068%; no homozygotes.

Submission:

Labcorp Genetics (formerly Invitae), Labcorp
Classification: Uncertain significance. Last evaluated: 2024-10-20. Review status: criteria provided, single submitter. Criteria: Invitae Variant Classification Sherloc (09022015). Collection method: clinical testing. Allele origin: germline.
Comment: This sequence change replaces serine, which is neutral and polar, with isoleucine, which is neutral and non-polar, at codon 69 of the ITGAM protein (p.Ser69Ile). This variant is not present in population databases (gnomAD no frequency). This variant has not been reported in the literature in individuals affected with ITGAM-related conditions. An algorithm developed to predict the effect of missense changes on protein structure and function (PolyPhen-2) suggests that this variant is likely to be disruptive. In summary, the available evidence is currently insufficient to determine the role of this variant in disease. Therefore, it has been classified as a Variant of Uncertain Significance.